The following is an entry in ClinVar:

NM_004369.4(COL6A3):c.6193G>A (p.Gly2065Ser)

Gene: COL6A3 (collagen type VI alpha 3 chain; minus strand). Cytogenetic location: 2q37.3.
Variant type: single nucleotide variant.
Coding change: c.6193G>A on transcript NM_004369.4 (MANE Select); coding-DNA position 6193, G replaced by A.
Protein change: p.Gly2065Ser; replaces glycine 2065 with serine.
Molecular consequence: missense variant.
Genome position (GRCh38, 1-based): chr2:237,361,138, C>T on the plus strand (G>A on the coding strand, the complement: COL6A3 is on the minus strand). VCF-style: chr2-237361138-C-T. GRCh37 (hg19) VCF-style: chr2-238269781-C-T.
Other names: c.4372G>A, p.Gly1458Ser (NM_057166.5); c.5575G>A, p.Gly1859Ser (NM_057167.4); short protein forms G2065S, G1458S, G1859S, G1865S, G1898S.
Identifiers: ClinVar variation 56907 (VCV000056907.20), dbSNP rs397515332, ClinGen allele CA215987.
Genomic context (GRCh38, chr2:237,361,138, plus strand): 5'-AGGAGGGGGTGAAATTTTAGGGACTAAAACAATTTTTACTTACGGGTCCACCCTCATCAC[C>T]AGGATAGCCTCGGTAGCCGTCTTCTCCAGGAATACCCTGAAACAAAGTAATCGGGTCCTC-3'
Protein context (NP_004360.2, residues 2055-2075): PGEDGYRGYP[Gly2065Ser]DEGGPGERGP

ClinVar aggregate classification (germline): Likely pathogenic. Review status: criteria provided, multiple submitters, no conflicts (2 of 4 stars). 4 submissions from 4 submitters: Likely pathogenic (4). Last evaluated 2024-07-02.

Conditions:
Bethlem myopathy 1A. Also called: Bethlem myopathy 1; Bethlem Muscular Dystrophy; MYOPATHY, BENIGN CONGENITAL, WITH CONTRACTURES. Identifiers: Orphanet 610, MedGen CN029274, MONDO:0024530, OMIM 158810.

Submissions (4):

Revvity Omics, Revvity
Classification: Likely pathogenic. Last evaluated: 2024-07-02. Review status: criteria provided, single submitter. Criteria: ACMG Guidelines, 2015. Collection method: clinical testing. Allele origin: germline.

Labcorp Genetics (formerly Invitae), Labcorp
Classification: Likely pathogenic for Bethlem myopathy 1A. Last evaluated: 2023-12-12. Review status: criteria provided, single submitter. Criteria: Invitae Variant Classification Sherloc (09022015). Collection method: clinical testing. Allele origin: germline.
Comment: This sequence change replaces glycine, which is neutral and non-polar, with serine, which is neutral and polar, at codon 2065 of the COL6A3 protein (p.Gly2065Ser). This variant is not present in population databases (gnomAD no frequency). This missense change has been observed in individual(s) with clinical suspicion of limb-girdle muscular dystrophy (PMID: 30564623). ClinVar contains an entry for this variant (Variation ID: 56907). Advanced modeling of protein sequence and biophysical properties (such as structural, functional, and spatial information, amino acid conservation, physicochemical variation, residue mobility, and thermodynamic stability) performed at Invitae indicates that this missense variant is expected to disrupt COL6A3 protein function with a positive predictive value of 80%. This variant disrupts the triple helix domain of COL6A3. Glycine residues within the Gly-Xaa-Yaa repeats of the triple helix domain are required for the structure and stability of fibrillar collagens (PMID: 7695699, 8218237, 19344236). In COL6A3, missense variants at these glycine residues are significantly enriched in individuals with autosomal dominant disease (PMID: 15689448, 24038877) compared to the general population (ExAC). This variant disrupts the p.Gly2065 amino acid residue in COL6A3. Other variant(s) that disrupt this residue have been determined to be pathogenic (Invitae). This suggests that this residue is clinically significant, and that variants that disrupt this residue are likely to be disease-causing. In summary, the currently available evidence indicates that the variant is pathogenic, but additional data are needed to prove that conclusively. Therefore, this variant has been classified as Likely Pathogenic.

GeneDx
Classification: Likely pathogenic. Last evaluated: 2017-09-07. Review status: criteria provided, single submitter. Criteria: GeneDx Variant Classification (06012015). Collection method: clinical testing. Allele origin: germline. Affected: yes.
Comment: The G2065S variant has not been published as a pathogenic variant, nor has it been reported as a benign variant to our knowledge. The G2065S variant is not observed in large population cohorts (Lek et al., 2016; 1000 Genomes Consortium et al., 2015; Exome Variant Server). This variant is a non-conservative amino acid substitution, which is likely to impact secondary protein structure as these residues differ in polarity, charge, size and/or other properties. This substitution occurs within the Gly-X-Y motif in the triple helical (TH) domain of collagen VI, a region that is well-conserved across species. Additionally, a different missense variant at the same position (G2065D) has been reported in an individual with Ullrich congenital muscular dystrophy (Pace et al., 2008). In silico analysis predicts this variant is probably damaging to the protein structure/function.

Eurofins Ntd Llc (ga)
Classification: Likely pathogenic. Last evaluated: 2016-05-03. Review status: criteria provided, single submitter. Criteria: EGL Classification Definitions. Collection method: clinical testing. Allele origin: germline. Observed: 3 variant alleles, 3 heterozygotes.

Literature cited by the submitters: PubMed 30564623 (cited by Labcorp Genetics (formerly Invitae), Labcorp); PubMed 7695699 (cited by Labcorp Genetics (formerly Invitae), Labcorp); PubMed 8218237 (cited by Labcorp Genetics (formerly Invitae), Labcorp); PubMed 19344236 (cited by Labcorp Genetics (formerly Invitae), Labcorp); PubMed 15689448 (cited by Labcorp Genetics (formerly Invitae), Labcorp); PubMed 24038877 (cited by Labcorp Genetics (formerly Invitae), Labcorp).